The following is an entry in ClinVar:

NM_000136.3(FANCC):c.-262_-79+3686del

Genes: FANCC (FA complementation group C; minus strand), LOC130002128 (ATAC-STARR-seq lymphoblastoid silent region 20064; plus strand). Cytogenetic location: 9q22.32.
Variant type: Deletion.
Coding change: c.-262_-79+3686del on transcript NM_000136.3 (MANE Select); 262 bases upstream of the start codon through 3686 bases into the intron after 79 bases upstream of the start codon, 3,870 bases deleted.
Molecular consequence: splice donor variant.
Genome position (GRCh38, 1-based): chr9:95,313,840-95,317,709, 3,870 bases deleted. GRCh37 (hg19): chr9:98,076,122-98,079,991.
Other names: c.-262_-79+3686del (NM_001243744.2).
Identifiers: ClinVar variation 929797 (VCV000929797.1), ClinGen allele CA1139661061.

ClinVar aggregate classification (germline): Pathogenic (0 of 4 stars; one submission).

Conditions:
Fanconi anemia complementation group C (FANCC). Also called: Fanconi anemia, group C; FANCC-Related Fanconi Anemia; FANCONI PANCYTOPENIA, TYPE 3; FACC. Identifiers: Orphanet 84, MedGen C3468041, MONDO:0009213, OMIM 227645.

Submission:

Leiden Open Variation Database
Classification: Pathogenic for Fanconi anemia complementation group C. Last evaluated: 2020-02-28. Review status: no assertion criteria provided. Collection method: curation. Allele origin: germline. Affected: yes.
Comment: Curator: Arleen D. Auerbach. Submitter to LOVD: Arleen D. Auerbach.

Literature cited by the submitters: PubMed 25168418.